The following is an entry in ClinVar:

NM_000135.4(FANCA):c.3399C>G (p.His1133Gln)

Genes: FANCA (FA complementation group A; minus strand), LOC132090450 (Neanderthal introgressed variant-containing enhancer experimental_46718; plus strand). Cytogenetic location: 16q24.3.
Variant type: single nucleotide variant.
Coding change: c.3399C>G on transcript NM_000135.4 (MANE Select); coding-DNA position 3399, C replaced by G.
Protein change: p.His1133Gln; replaces histidine 1133 with glutamine.
Molecular consequence: missense variant.
Genome position (GRCh38, 1-based): chr16:89,746,840, G>C on the plus strand (C>G on the coding strand, the complement: FANCA is on the minus strand). VCF-style: chr16-89746840-G-C. GRCh37 (hg19) VCF-style: chr16-89813248-G-C.
Other names: c.3399C>G, p.His1133Gln (NM_001286167.3); short protein forms H1133Q.
Identifiers: ClinVar variation 2497937 (VCV002497937.1), dbSNP rs369979902, ClinGen allele CA8251195.

ClinVar aggregate classification (germline): Uncertain significance (1 of 4 stars; one submission).

Allele frequency attached by ClinVar (database versions not stated): TOPMed below 0.00001; gnomAD 0.00001; ESP Exome Variant Server 0.00008.
gnomAD v4.1: 2 of 1,564,588 alleles (0.00013%); highest among the groups gnomAD compares: African/African-American, 0.0027%; no homozygotes.

Submission:

GeneDx
Classification: Uncertain significance. Last evaluated: 2022-10-10. Review status: criteria provided, single submitter. Criteria: GeneDx Variant Classification Process June 2021. Collection method: clinical testing. Allele origin: germline. Affected: yes.
Comment: Not observed at significant frequency in large population cohorts (gnomAD); In silico analysis supports that this missense variant has a deleterious effect on protein structure/function; Has not been previously published as pathogenic or benign to our knowledge; This variant is associated with the following publications: (PMID: 34864095)